The following is an entry in ClinVar:

ClinVar aggregate classification (germline): Uncertain significance. Review status: criteria provided, multiple submitters, no conflicts (2 of 4 stars). 2 submissions from 2 submitters: Uncertain significance (2). Last evaluated 2022-12-14.

Conditions:
Inborn genetic diseases. Identifiers: MedGen C0950123, MeSH D030342.

gnomAD v4.1: 2 of 1,562,236 alleles (0.00013%); highest among the groups gnomAD compares: African/African-American, 0.0014%; no homozygotes.

Submissions (2):

Ambry Genetics
Classification: Uncertain significance for Inborn genetic diseases. Last evaluated: 2022-12-14. Review status: criteria provided, single submitter. Criteria: Ambry Variant Classification Scheme 2023. Collection method: clinical testing. Allele origin: germline.

Labcorp Genetics (formerly Invitae), Labcorp
Classification: Uncertain significance. Last evaluated: 2022-10-10. Review status: criteria provided, single submitter. Criteria: Invitae Variant Classification Sherloc (09022015). Collection method: clinical testing. Allele origin: germline.
Comment: In summary, the available evidence is currently insufficient to determine the role of this variant in disease. Therefore, it has been classified as a Variant of Uncertain Significance. Advanced modeling of protein sequence and biophysical properties (such as structural, functional, and spatial information, amino acid conservation, physicochemical variation, residue mobility, and thermodynamic stability) performed at Invitae indicates that this missense variant is not expected to disrupt CACNA1G protein function. This variant has not been reported in the literature in individuals affected with CACNA1G-related conditions. This variant is not present in population databases (gnomAD no frequency). This sequence change replaces threonine, which is neutral and polar, with arginine, which is basic and polar, at codon 539 of the CACNA1G protein (p.Thr539Arg).

NM_018896.5(CACNA1G):c.1616C>G (p.Thr539Arg)

Gene: CACNA1G (calcium voltage-gated channel subunit alpha1 G; plus strand). Cytogenetic location: 17q21.33.
Variant type: single nucleotide variant.
Coding change: c.1616C>G on transcript NM_018896.5 (MANE Select); coding-DNA position 1616, C replaced by G.
Protein change: p.Thr539Arg; replaces threonine 539 with arginine.
Molecular consequence: missense variant. On other transcripts: non-coding transcript variant (5).
Genome position (GRCh38, 1-based): chr17:50,576,018, C>G. VCF-style: chr17-50576018-C-G. GRCh37 (hg19) VCF-style: chr17-48653379-C-G.
Other names: c.1616C>G, p.Thr539Arg (NM_001256324.2, NM_001256325.2, NM_001256326.2 and 24 more transcripts); short protein forms T539R.
Identifiers: ClinVar variation 1911626 (VCV001911626.6), dbSNP rs368633652, ClinGen allele CA291598892.
Genomic context (GRCh38, chr17:50,576,018, plus strand): 5'-CGGAGATCCAGGACAGGGATGCCAATGGGTCCCGCCGGCTCATGCTGCCACCACCCTCGA[C>G]GCCTGCCCTCTCCGGGGCCCCCCCTGGTGGCGCAGAGTCTGTGCACAGCTTCTACCATGC-3'
Protein context (NP_061496.2, residues 529-549): SRRLMLPPPS[Thr539Arg]PALSGAPPGG